The following is an entry in ClinVar:

ClinVar aggregate classification (germline): Uncertain significance. Review status: criteria provided, multiple submitters, no conflicts (2 of 4 stars). 2 submissions from 2 submitters: Uncertain significance (2). Last evaluated 2022-09-20.

Conditions:
Hereditary cancer-predisposing syndrome. Also called: Hereditary neoplastic syndrome; Neoplastic Syndromes, Hereditary; Hereditary Cancer Syndrome; Tumor predisposition. Identifiers: Orphanet 140162, MedGen C0027672, MeSH D009386, MONDO:0015356.
Bloom syndrome (BLM). Also called: Bloom-Torre-Machacek syndrome. Identifiers: Orphanet 125, MedGen C0005859, MONDO:0008876, OMIM 210900.

Submissions (2):

Labcorp Genetics (formerly Invitae), Labcorp
Classification: Uncertain significance for Bloom syndrome. Last evaluated: 2022-09-20. Review status: criteria provided, single submitter. Criteria: Invitae Variant Classification Sherloc (09022015). Collection method: clinical testing. Allele origin: germline.
Comment: In summary, the available evidence is currently insufficient to determine the role of this variant in disease. Therefore, it has been classified as a Variant of Uncertain Significance. Advanced modeling of protein sequence and biophysical properties (such as structural, functional, and spatial information, amino acid conservation, physicochemical variation, residue mobility, and thermodynamic stability) has been performed at Invitae for this missense variant, however the output from this modeling did not meet the statistical confidence thresholds required to predict the impact of this variant on BLM protein function. This variant has not been reported in the literature in individuals affected with BLM-related conditions. This variant is present in population databases (no rsID available, gnomAD 0.006%). This sequence change replaces alanine, which is neutral and non-polar, with threonine, which is neutral and polar, at codon 772 of the BLM protein (p.Ala772Thr).

Ambry Genetics
Classification: Uncertain significance for Hereditary cancer-predisposing syndrome. Last evaluated: 2021-08-21. Review status: criteria provided, single submitter. Criteria: Ambry Variant Classification Scheme 2023. Collection method: clinical testing. Allele origin: germline.
Comment: The p.A772T variant (also known as c.2314G>A), located in coding exon 10 of the BLM gene, results from a G to A substitution at nucleotide position 2314. The alanine at codon 772 is replaced by threonine, an amino acid with similar properties. This amino acid position is conserved. In addition, the in silico prediction for this alteration is inconclusive. Since supporting evidence is limited at this time, the clinical significance of this alteration remains unclear.

NM_000057.4(BLM):c.2314G>A (p.Ala772Thr)

Gene: BLM (BLM RecQ like helicase; plus strand). Cytogenetic location: 15q26.1.
Variant type: single nucleotide variant.
Coding change: c.2314G>A on transcript NM_000057.4 (MANE Select); coding-DNA position 2314, G replaced by A.
Protein change: p.Ala772Thr; replaces alanine 772 with threonine.
Molecular consequence: missense variant.
Genome position (GRCh38, 1-based): chr15:90,769,139, G>A. VCF-style: chr15-90769139-G-A. GRCh37 (hg19) VCF-style: chr15-91312369-G-A.
Other names: c.2314G>A, p.Ala772Thr (NM_001287246.2, NM_001287247.2); c.1189G>A, p.Ala397Thr (NM_001287248.2); short protein forms A397T, A772T.
Identifiers: ClinVar variation 1719849 (VCV001719849.8), dbSNP rs1236574926, ClinGen allele CA393845036.